The following is an entry in ClinVar:

NM_031372.4(HNRNPDL):c.127C>A (p.Pro43Thr)

Gene: HNRNPDL (heterogeneous nuclear ribonucleoprotein D like; minus strand). Cytogenetic location: 4q21.22.
Variant type: single nucleotide variant.
Coding change: c.127C>A on transcript NM_031372.4 (MANE Select); coding-DNA position 127, C replaced by A.
Protein change: p.Pro43Thr; replaces proline 43 with threonine.
Molecular consequence: missense variant. On other transcripts: non-coding transcript variant (1).
Genome position (GRCh38, 1-based): chr4:82,429,564, G>T on the plus strand (C>A on the coding strand, the complement: HNRNPDL is on the minus strand). VCF-style: chr4-82429564-G-T. GRCh37 (hg19) VCF-style: chr4-83350717-G-T.
Other names: c.127C>A, p.Pro43Thr (NM_001207000.1); short protein forms P43T.
Identifiers: ClinVar variation 1405291 (VCV001405291.8), dbSNP rs1168770429, ClinGen allele CA357173503.

ClinVar aggregate classification (germline): Uncertain significance (1 of 4 stars; one submission).

Conditions:
Autosomal dominant limb-girdle muscular dystrophy type 1G (LGMDD3). Also called: MUSCULAR DYSTROPHY, LIMB-GIRDLE, AUTOSOMAL DOMINANT 3; Limb-girdle muscular dystrophy, type 1G. Identifiers: Orphanet 55596, MedGen C1836765, MONDO:0012193, OMIM 609115.

Allele frequency attached by ClinVar (database versions not stated): gnomAD exomes below 0.00001.
gnomAD v4.1: 5 of 1,428,380 alleles (0.00035%); highest among the groups gnomAD compares: African/African-American, 0.0076%; no homozygotes.

Submission:

Labcorp Genetics (formerly Invitae), Labcorp
Classification: Uncertain significance for Autosomal dominant limb-girdle muscular dystrophy type 1G. Last evaluated: 2021-04-14. Review status: criteria provided, single submitter. Criteria: Invitae Variant Classification Sherloc (09022015). Collection method: clinical testing. Allele origin: germline.
Comment: In summary, the available evidence is currently insufficient to determine the role of this variant in disease. Therefore, it has been classified as a Variant of Uncertain Significance. Algorithms developed to predict the effect of missense changes on protein structure and function are either unavailable or do not agree on the potential impact of this missense change (SIFT: "Deleterious"; PolyPhen-2: "Possibly Damaging"; Align-GVGD: "Class C0"). This variant has not been reported in the literature in individuals with HNRNPDL-related conditions. The frequency data for this variant in the population databases is considered unreliable, as metrics indicate insufficient coverage at this position in the ExAC database. This sequence change replaces proline with threonine at codon 43 of the HNRNPDL protein (p.Pro43Thr). The proline residue is moderately conserved and there is a small physicochemical difference between proline and threonine.